The following is an entry in ClinVar:

ClinVar aggregate classification (germline): Pathogenic (1 of 4 stars; one submission).

Conditions:
Breast-ovarian cancer, familial, susceptibility to, 2 (BROVCA2). Also called: BRCA2 Hereditary Breast and Ovarian Cancer. Identifiers: Orphanet 145, MedGen C2675520, MONDO:0012933, OMIM 612555. Disease mechanism: loss of function.

Submission:

Myriad Genetics, Inc.
Classification: Pathogenic for Breast-ovarian cancer, familial, susceptibility to, 2. Last evaluated: 2026-08-20. Review status: criteria provided, single submitter. Criteria: Myriad Autosomal Dominant, Autosomal Recessive and X-Linked Classification Criteria (2023). Collection method: clinical testing. Allele origin: unknown.
Comment: This variant is considered pathogenic. This variant creates a frameshift predicted to result in premature protein truncation.

NM_000059.4(BRCA2):c.5166delinsGG (p.Ser1722fs)

Gene: BRCA2 (BRCA2 DNA repair associated; plus strand). Cytogenetic location: 13q13.1.
Variant type: Indel.
Coding change: c.5166delinsGG on transcript NM_000059.4 (MANE Select); coding-DNA position 5166, T replaced by GG.
Protein change: p.Ser1722fs; shifts the reading frame from serine 1722.
Molecular consequence: frameshift variant. On other transcripts: non-coding transcript variant (1), intron variant (2).
Genome position (GRCh38, 1-based): chr13:32,339,521, T replaced by GG. VCF-style: chr13-32339521-T-GG. GRCh37 (hg19) VCF-style: chr13-32913658-T-GG.
Other names: c.5166delinsGG, p.Ser1722fs (NM_001406719.1, NM_001406720.1, NM_001432077.1); c.1910-5037delinsGG (NM_001406721.1); c.425-5037delinsGG (NM_001406722.1); short protein forms S1722fs.
Identifiers: ClinVar variation 5042257 (VCV005042257.1).